The following is an entry in ClinVar:

NM_022458.4(LMBR1):c.423+3706T>C

Genes: LMBR1 (limb development membrane protein 1; minus strand), ZRS (ZPA regulatory sequence; plus strand). Cytogenetic location: 7q36.3.
Variant type: single nucleotide variant.
Coding change: c.423+3706T>C on transcript NM_022458.4 (MANE Select); 3706 bases into the intron after coding-DNA position 423, T replaced by C.
Molecular consequence: intron variant.
Genome position (GRCh38, 1-based): chr7:156,792,683, A>G on the plus strand (T>C on the coding strand, the complement: LMBR1 is on the minus strand). VCF-style: chr7-156792683-A-G. GRCh37 (hg19) VCF-style: chr7-156585377-A-G.
Other names: c.360+3706T>C (NM_001363412.2); c.144+3706T>C (NM_001350954.2); c.423+3706T>C (NM_001363410.2, NM_001363409.2, NM_001350953.2); c.-112+3706T>C (NM_001350958.2, NM_001350956.2, NM_001350955.2 and 1 more transcripts); c.54+3706T>C (NM_001350957.2, NM_001363411.2).
Identifiers: ClinVar variation 2110099 (VCV002110099.4), dbSNP rs2536149649, ClinGen allele CA2580077756.
Genomic context (GRCh38, chr7:156,792,683, plus strand): 5'-GAAGGCCCTTAAAAGGACATAGTCAACCCCCCAGGCCTAATATGTCCTGTTTGAATTAAC[A>G]TAGTGGTTTAATTAAAAACTAAGTAGAGAATTCTGCTTAATTTGATTTTCAATTCAAGCT-3'

ClinVar aggregate classification (germline): Uncertain significance (1 of 4 stars; one submission).

Submission:

Labcorp Genetics (formerly Invitae), Labcorp
Classification: Uncertain significance. Last evaluated: 2024-03-15. Review status: criteria provided, single submitter. Criteria: Invitae Variant Classification Sherloc (09022015). Collection method: clinical testing. Allele origin: germline.
Comment: This sequence change falls in intron 5 of the LMBR1 gene. It does not directly change the encoded amino acid sequence of the LMBR1 protein. This variant is not present in population databases (gnomAD no frequency). This variant has not been reported in the literature in individuals affected with LMBR1-related conditions. Studies have shown that this variant affects the ZPA regulatory sequence (ZRS) within intron 5 of the LMBR1 gene, which regulates the expression of certain genes that are important for limb development (PMID: 29651423). In summary, the available evidence is currently insufficient to determine the role of this variant in disease. Therefore, it has been classified as a Variant of Uncertain Significance.

Literature cited by the submitters: PubMed 29651423.